The following is an entry in ClinVar:

ClinVar aggregate classification (germline): Uncertain significance. Review status: criteria provided, multiple submitters, no conflicts (2 of 4 stars). 2 submissions from 2 submitters: Uncertain significance (2). Last evaluated 2018-03-20.

Conditions:
Hereditary cancer-predisposing syndrome. Also called: Tumor predisposition; Neoplastic Syndromes, Hereditary; Hereditary neoplastic syndrome; Hereditary Cancer Syndrome. Identifiers: Orphanet 140162, MedGen C0027672, MeSH D009386, MONDO:0015356.

Submissions (2):

Ambry Genetics
Classification: Uncertain significance for Hereditary cancer-predisposing syndrome. Last evaluated: 2018-03-20. Review status: criteria provided, single submitter. Criteria: Ambry Variant Classification Scheme 2023. Collection method: clinical testing. Allele origin: germline.
Comment: The p.P1594S variant (also known as c.4780C>T), located in coding exon 14 of the BRCA1 gene, results from a C to T substitution at nucleotide position 4780. The proline at codon 1594 is replaced by serine, an amino acid with similar properties. This amino acid position is well conserved in available vertebrate species. In addition, the in silico prediction for this alteration is inconclusive. Since supporting evidence is limited at this time, the clinical significance of this alteration remains unclear.

Women's Health and Genetics/Laboratory Corporation of America, LabCorp
Classification: Uncertain significance. Last evaluated: 2018-02-05. Review status: criteria provided, single submitter. Criteria: LabCorp Variant Classification Summary - May 2015. Collection method: clinical testing. Allele origin: germline.
Comment: Variant summary: BRCA1 c.4780C>T (p.Pro1594Ser) results in a non-conservative amino acid change in the encoded protein sequence. Four of five in-silico tools predict a benign effect of the variant on protein function. However, these predictions have yet to be functionally assessed. The variant was absent in 121384 control chromosomes (ExAC). To our knowledge, no occurrence of c.4780C>T in individuals affected with Hereditary Breast and Ovarian Cancer and no experimental evidence demonstrating its impact on protein function have been reported. No clinical diagnostic laboratories have submitted clinical-significance assessments for this variant to ClinVar after 2014. Based on the evidence outlined above, the variant was classified as VUS-possibly benign.

NM_007294.4(BRCA1):c.4780C>T (p.Pro1594Ser)

Gene: BRCA1 (BRCA1 DNA repair associated; minus strand). Cytogenetic location: 17q21.31.
Variant type: single nucleotide variant.
Coding change: c.4780C>T on transcript NM_007294.4 (MANE Select); coding-DNA position 4780, C replaced by T.
Protein change: p.Pro1594Ser; replaces proline 1594 with serine.
Molecular consequence: missense variant. On other transcripts: non-coding transcript variant (1).
Genome position (GRCh38, 1-based): chr17:43,071,134, G>A on the plus strand (C>T on the coding strand, the complement: BRCA1 is on the minus strand). VCF-style: chr17-43071134-G-A. GRCh37 (hg19) VCF-style: chr17-41223151-G-A.
Other names: c.4567C>T, p.Pro1523Ser (NM_001407571.1, NM_001407894.1, NM_001407895.1 and 12 more transcripts); c.4846C>T, p.Pro1616Ser (NM_001407581.1, NM_001407582.1); c.4843C>T, p.Pro1615Ser (NM_001407583.1, NM_001407585.1, NM_001407587.1 and 1 more transcripts); c.4840C>T, p.Pro1614Ser (NM_001407590.1, NM_001407591.1); c.4780C>T, p.Pro1594Ser (NM_001407593.1, NM_001407594.1, NM_001407596.1 and 8 more transcripts); c.4777C>T, p.Pro1593Ser (NM_001407610.1, NM_001407611.1, NM_001407612.1 and 17 more transcripts); c.4774C>T, p.Pro1592Ser (NM_001407627.1, NM_001407628.1, NM_001407629.1 and 14 more transcripts); c.4771C>T, p.Pro1591Ser (NM_001407644.1, NM_001407645.1); and 70 more; short protein forms P1594S, P490S, P1615S, P1547S, P1483S, P1523S, P1546S, P1553S.
Identifiers: ClinVar variation 633087 (VCV000633087.6), dbSNP rs587782012, ClinGen allele CA10591955.